The following is an entry in ClinVar:

ClinVar aggregate classification (germline): Conflicting classifications of pathogenicity. Review status: criteria provided, conflicting classifications (1 of 4 stars). 3 submissions from 3 submitters: Uncertain significance (2); Likely benign (1). Last evaluated 2025-08-02.

Conditions:
Renal dysplasia, cystic, susceptibility to. Identifiers: MedGen C3275898, MONDO:0011037, OMIM 601331.

gnomAD v4.1: 90 of 1,612,032 alleles (0.0056%); highest among the groups gnomAD compares: African/African-American, 0.087%; no homozygotes.

Submissions (3):

Ambry Genetics
Classification: Likely benign. Last evaluated: 2025-08-02. Review status: criteria provided, single submitter. Criteria: Ambry Variant Classification Scheme 2023. Collection method: clinical testing. Allele origin: germline.

Labcorp Genetics (formerly Invitae), Labcorp
Classification: Uncertain significance. Last evaluated: 2025-06-12. Review status: criteria provided, single submitter. Criteria: Invitae Variant Classification Sherloc (09022015). Collection method: clinical testing. Allele origin: germline.
Comment: This sequence change replaces glutamic acid, which is acidic and polar, with lysine, which is basic and polar, at codon 562 of the BICC1 protein (p.Glu562Lys). This variant is present in population databases (rs141490536, gnomAD 0.08%), and has an allele count higher than expected for a pathogenic variant. This variant has not been reported in the literature in individuals affected with BICC1-related conditions. ClinVar contains an entry for this variant (Variation ID: 3596143). An algorithm developed to predict the effect of missense changes on protein structure and function (PolyPhen-2) suggests that this variant is likely to be disruptive. In summary, the available evidence is currently insufficient to determine the role of this variant in disease. Therefore, it has been classified as a Variant of Uncertain Significance.

Fulgent Genetics
Classification: Uncertain significance for Renal dysplasia, cystic, susceptibility to. Last evaluated: 2024-03-08. Review status: criteria provided, single submitter. Criteria: ACMG Guidelines, 2015. Collection method: clinical testing. Allele origin: germline.

NM_001080512.3(BICC1):c.1684G>A (p.Glu562Lys)

Gene: BICC1 (BicC family RNA binding protein 1; plus strand). Cytogenetic location: 10q21.1.
Variant type: single nucleotide variant.
Coding change: c.1684G>A on transcript NM_001080512.3 (MANE Select); coding-DNA position 1684, G replaced by A.
Protein change: p.Glu562Lys; replaces glutamic acid 562 with lysine.
Molecular consequence: missense variant.
Genome position (GRCh38, 1-based): chr10:58,799,211, G>A. VCF-style: chr10-58799211-G-A. GRCh37 (hg19) VCF-style: chr10-60558971-G-A.
Other names: c.1684G>A (NM_001080512.1); short protein forms E562K.
Identifiers: ClinVar variation 3596143 (VCV003596143.4).